The following is an entry in ClinVar:

ClinVar aggregate classification (germline): Uncertain significance (1 of 4 stars; one submission).

Submission:

GeneDx
Classification: Uncertain significance. Last evaluated: 2026-02-21. Review status: criteria provided, single submitter. Criteria: GeneDx Variant Classification Process June 2021. Collection method: clinical testing. Allele origin: germline.
Comment: Not observed at significant frequency in large population cohorts (gnomAD); Frameshift variant predicted to result in protein truncation or nonsense mediated decay in a gene or region of a gene for which loss of function is not a well-established mechanism of disease; Has not been previously published as pathogenic or benign to our knowledge

NM_001135146.2(SLC39A8):c.863del (p.Ser288fs)

Genes: SLC39A8 (solute carrier family 39 member 8; minus strand), LOC126807125 (MED14-independent group 3 enhancer GRCh37_chr4:103188587-103189786; plus strand). Cytogenetic location: 4q24.
Variant type: Deletion.
Coding change: c.863del on transcript NM_001135146.2 (MANE Select); coding-DNA position 863, one base deleted (C; older notation c.863delC).
Protein change: p.Ser288fs; shifts the reading frame from serine 288.
Molecular consequence: frameshift variant.
Genome position (GRCh38, 1-based): chr4:102,268,057, G deleted on the plus strand (C on the coding strand, the reverse complement: SLC39A8 is on the minus strand). VCF-style (leftmost placement, unchanged base first): chr4-102268056-TG-T. GRCh37 (hg19) VCF-style: chr4-103189213-TG-T.
Other names: c.863del, p.Ser288fs (NM_001135147.1, NM_022154.5); c.662del, p.Ser221fs (NM_001135148.2); short protein forms S221fs, S288fs.
Identifiers: ClinVar variation 3364874 (VCV003364874.2).
Genomic context (GRCh38, chr4:102,268,056, plus strand): 5'-CGTTATCATCCAGGCAATCGTCCCTATTTCTGACAGTTTGGGCCCCTTCAAACAGGTACA[TG>T]AACTTGGCTCTTTTTTTCCATCCTAGCAGAAAATCAATTAAAATGATAACCAACATTTCT-3'